The following is an entry in ClinVar:

NM_001329943.3(KIAA0586):c.3461A>T (p.Asp1154Val)

Gene: KIAA0586 (KIAA0586; plus strand). Cytogenetic location: 14q23.1.
Variant type: single nucleotide variant.
Coding change: c.3461A>T on transcript NM_001329943.3 (MANE Select); coding-DNA position 3461, A replaced by T.
Protein change: p.Asp1154Val; replaces aspartic acid 1154 with valine.
Molecular consequence: missense variant.
Genome position (GRCh38, 1-based): chr14:58,488,043, A>T. VCF-style: chr14-58488043-A-T. GRCh37 (hg19) VCF-style: chr14-58954761-A-T.
Other names: c.3620A>T, p.Asp1207Val (NM_001244189.2); c.3416A>T, p.Asp1139Val (NM_001244190.2); c.3206A>T, p.Asp1069Val (NM_001244191.2, NM_001329945.2, NM_001364700.1 and 1 more transcripts); c.3329A>T, p.Asp1110Val (NM_001244192.2); c.3041A>T, p.Asp1014Val (NM_001244193.2); c.3461A>T, p.Asp1154Val (NM_001329944.2, NM_001329946.2, NM_001329947.2); c.3233A>T, p.Asp1078Val (NM_014749.5); short protein forms D1139V, D1069V, D1078V, D1110V, D1154V, D1014V, D1207V.
Identifiers: ClinVar variation 1956947 (VCV001956947.5), dbSNP rs2543671947, ClinGen allele CA389882086.

ClinVar aggregate classification (germline): Uncertain significance (1 of 4 stars; one submission).

Conditions:
Short-rib thoracic dysplasia 14 with polydactyly (SRTD14). Identifiers: Orphanet 397715, MedGen C4225286, MONDO:0014688, OMIM 616546.
Joubert syndrome 23 (JBTS23). Identifiers: Orphanet 475, MedGen C4084822, MONDO:0014664, OMIM 616490.

Submission:

Labcorp Genetics (formerly Invitae), Labcorp
Classification: Uncertain significance for Joubert syndrome 23; Short-rib thoracic dysplasia 14 with polydactyly. Last evaluated: 2022-04-30. Review status: criteria provided, single submitter. Criteria: Invitae Variant Classification Sherloc (09022015). Collection method: clinical testing. Allele origin: germline.
Comment: This sequence change replaces aspartic acid, which is acidic and polar, with valine, which is neutral and non-polar, at codon 1207 of the KIAA0586 protein (p.Asp1207Val). In summary, the available evidence is currently insufficient to determine the role of this variant in disease. Therefore, it has been classified as a Variant of Uncertain Significance. Algorithms developed to predict the effect of missense changes on protein structure and function are either unavailable or do not agree on the potential impact of this missense change (SIFT: "Deleterious"; PolyPhen-2: "Benign"; Align-GVGD: "Class C0"). This variant has not been reported in the literature in individuals affected with KIAA0586-related conditions. This variant is not present in population databases (gnomAD no frequency).